The following is an entry in ClinVar:

ClinVar aggregate classification (germline): Uncertain significance. Review status: criteria provided, multiple submitters, no conflicts (2 of 4 stars). 2 submissions from 2 submitters: Uncertain significance (2). Last evaluated 2025-04-12.

Conditions:
Alpha thalassemia-X-linked intellectual disability syndrome (ATRX). Also called: ALPHA-THALASSEMIA/MENTAL RETARDATION SYNDROME, X-LINKED; ATR, NONDELETION TYPE; ATR-X syndrome; Alpha thalassemia mental retardation syndrome, nondeletion type, X-linked; XLMR hypotonic face syndrome; X-linked alpha-thalassemia-mental retardation syndrome. Identifiers: Orphanet 847, MedGen C1845055, MONDO:0010519, OMIM 301040.
Inborn genetic diseases. Identifiers: MedGen C0950123, MeSH D030342.

Allele frequency attached by ClinVar (database versions not stated): gnomAD exomes below 0.00001.
gnomAD v4.1: 2 of 1,211,372 alleles (0.00017%); highest among the groups gnomAD compares: East Asian, 0.003%; no homozygotes.

Submissions (2):

Ambry Genetics
Classification: Uncertain significance for Inborn genetic diseases. Last evaluated: 2025-04-12. Review status: criteria provided, single submitter. Criteria: Ambry Variant Classification Scheme 2023. Collection method: clinical testing. Allele origin: germline.

Labcorp Genetics (formerly Invitae), Labcorp
Classification: Uncertain significance for Alpha thalassemia-X-linked intellectual disability syndrome. Last evaluated: 2024-07-25. Review status: criteria provided, single submitter. Criteria: Invitae Variant Classification Sherloc (09022015). Collection method: clinical testing. Allele origin: germline.
Comment: This sequence change replaces threonine, which is neutral and polar, with alanine, which is neutral and non-polar, at codon 1582 of the ATRX protein (p.Thr1582Ala). This variant is not present in population databases (gnomAD no frequency). This variant has not been reported in the literature in individuals affected with ATRX-related conditions. Advanced modeling of protein sequence and biophysical properties (such as structural, functional, and spatial information, amino acid conservation, physicochemical variation, residue mobility, and thermodynamic stability) performed at Invitae indicates that this missense variant is not expected to disrupt ATRX protein function with a negative predictive value of 95%. In summary, the available evidence is currently insufficient to determine the role of this variant in disease. Therefore, it has been classified as a Variant of Uncertain Significance.

NM_000489.6(ATRX):c.4744A>G (p.Thr1582Ala)

Gene: ATRX (ATRX chromatin remodeler; minus strand). Cytogenetic location: Xq21.1.
Variant type: single nucleotide variant.
Coding change: c.4744A>G on transcript NM_000489.6 (MANE Select); coding-DNA position 4744, A replaced by G.
Protein change: p.Thr1582Ala; replaces threonine 1582 with alanine.
Molecular consequence: missense variant.
Genome position (GRCh38, 1-based): chrX:77,634,659, T>C on the plus strand (A>G on the coding strand, the complement: ATRX is on the minus strand). VCF-style: chrX-77634659-T-C. GRCh37 (hg19) VCF-style: chrX-76890150-T-C.
Other names: c.4630A>G, p.Thr1544Ala (NM_138270.5); c.4744A>G (NM_000489.3); short protein forms T1582A, T1544A.
Identifiers: ClinVar variation 2972651 (VCV002972651.3), dbSNP rs2068263463, ClinGen allele CA413705301.
Genomic context (GRCh38, chrX:77,634,659, plus strand): 5'-AAGTCTTACCAAGGCCCATACAGTGGGCAAGAATGCATCCTGAACCTGGAGATTTCTTTG[T>C]TTTTTTCACAGACTCACAGCAGCAATCCCACATAAACTGAACACCTAAAAATAACAGCTT-3'
Protein context (NP_000480.3, residues 1572-1592): WDCCCESVKK[Thr1582Ala]KKSPGSGCIL